The following is an entry in ClinVar:

NM_001142966.3(GREB1L):c.3197G>A (p.Arg1066His)

Gene: GREB1L (GREB1 like retinoic acid receptor coactivator; plus strand). Cytogenetic location: 18q11.1.
Variant type: single nucleotide variant.
Coding change: c.3197G>A on transcript NM_001142966.3 (MANE Select); coding-DNA position 3197, G replaced by A.
Protein change: p.Arg1066His; replaces arginine 1066 with histidine.
Molecular consequence: missense variant.
Genome position (GRCh38, 1-based): chr18:21,496,504, G>A. VCF-style: chr18-21496504-G-A. GRCh37 (hg19) VCF-style: chr18-19076465-G-A.
Other names: short protein forms R1066H.
Identifiers: ClinVar variation 1333790 (VCV001333790.2), dbSNP rs766987038, ClinGen allele CA8906563.

ClinVar aggregate classification (germline): Uncertain significance. Review status: criteria provided, multiple submitters, no conflicts (2 of 4 stars). 2 submissions from 2 submitters: Uncertain significance (2). Last evaluated 2025-05-16.

Conditions:
Renal hypodysplasia/aplasia 3 (RHDA3). Identifiers: MedGen C4540497, MONDO:0024520, OMIM 617805.
Hearing loss, autosomal dominant 80. Also called: DEAFNESS, AUTOSOMAL DOMINANT 80. Identifiers: MedGen C5543289, MONDO:0030998, OMIM 619274.

Allele frequency attached by ClinVar (database versions not stated): ExAC 0.00005.
gnomAD v4.1: 7 of 1,551,668 alleles (0.00045%); highest among the groups gnomAD compares: South Asian, 0.0036%; no homozygotes.

Submissions (2):

3billion
Classification: Uncertain significance for Hearing loss, autosomal dominant 80. Last evaluated: 2025-05-16. Review status: criteria provided, single submitter. Criteria: ACMG Guidelines, 2015. Collection method: clinical testing. Allele origin: germline. Affected: yes.
Comment: The variant is observed at an extremely low frequency in the gnomAD v4.1.0 dataset (total allele frequency: <0.001%). Predicted Consequence/Location: Missense variant In silico tool predictions suggest damaging effect of the variant on gene or gene product [REVEL: 0.71 (>=0.6, sensitivity 0.68 and specificity 0.92)]. A different missense change at the same codon (p.Arg1066Pro) has been reported to be associated with GREB1L-related disorder (PMID: 29100090). However, the evidence of pathogenicity is insufficient at this time. Therefore, this variant is classified as VUS according to the recommendation of ACMG/AMP guideline.

CENTOGENE GmbH and LLC - Guiding Precision Medicine
Classification: Uncertain significance for Renal hypodysplasia/aplasia 3. Last evaluated: 2019-06-19. Review status: criteria provided, single submitter. Criteria: ACMG Guidelines, 2015. Collection method: clinical testing. Allele origin: germline.

Literature cited by the submitters: PubMed 29100090 (cited by 3billion).